The following is an entry in ClinVar:

ClinVar aggregate classification (germline): Benign/Likely benign. Review status: criteria provided, multiple submitters, no conflicts (2 of 4 stars). 5 submissions from 5 submitters: Benign (3); Likely benign (1). 1 of the submissions does not count toward it. Last evaluated 2026-02-01.

Conditions:
FOXC1-related disorder. Also called: FOXC1-related condition.
Axenfeld-Rieger syndrome type 3 (RIEG3). Also called: AXENFELD-RIEGER ANOMALY WITH CARDIAC DEFECTS AND/OR SENSORINEURAL HEARING LOSS. Identifiers: Orphanet 782, MedGen C2678503, MONDO:0011233, OMIM 602482.

Allele frequency attached by ClinVar (database versions not stated): gnomAD exomes 0.00034 and 0.00081; ExAC 0.00108; 1000 Genomes Project 0.00300; 1000 Genomes Project 30x 0.00312; gnomAD 0.00332 and 0.00363; TOPMed 0.00357; ESP Exome Variant Server 0.00369.
gnomAD v4.1: 1,035 of 1,613,550 alleles (0.064%); highest among the groups gnomAD compares: African/African-American, 1.2%; 6 homozygotes.

Submissions (5):

Labcorp Genetics (formerly Invitae), Labcorp
Classification: Benign for Axenfeld-Rieger syndrome type 3. Last evaluated: 2026-02-01. Review status: criteria provided, single submitter. Criteria: Invitae Variant Classification Sherloc (09022015). Collection method: clinical testing. Allele origin: germline.

CeGaT Center for Human Genetics Tuebingen
Classification: Benign. Last evaluated: 2024-07-01. Review status: criteria provided, single submitter. Criteria: CeGaT Center For Human Genetics Tuebingen Variant Classification Criteria Version 2. Collection method: clinical testing. Allele origin: germline. Affected: yes. Observed: 1 variant allele.
Comment: FOXC1: BP4, BP7, BS1, BS2

GeneDx
Classification: Likely benign. Last evaluated: 2019-06-06. Review status: criteria provided, single submitter. Criteria: GeneDx Variant Classification Process June 2021. Collection method: clinical testing. Allele origin: germline. Affected: yes.

Eurofins Ntd Llc (ga)
Classification: Benign. Last evaluated: 2014-04-28. Review status: criteria provided, single submitter. Criteria: EGL Classification Definitions 2015. Collection method: clinical testing. Allele origin: germline. Observed: 1 variant allele, 1 heterozygote.

PreventionGenetics, part of Exact Sciences
Classification: Benign for FOXC1-related condition. Last evaluated: 2020-01-02. Review status: no assertion criteria provided. Collection method: clinical testing. Allele origin: germline. Not counted in ClinVar's aggregate classification.
Comment: This variant is classified as benign based on ACMG/AMP sequence variant interpretation guidelines (Richards et al. 2015 PMID: 25741868, with internal and published modifications).

NM_001453.3(FOXC1):c.502C>T (p.Leu168=)

Gene: FOXC1 (forkhead box C1; plus strand). Cytogenetic location: 6p25.3.
Variant type: single nucleotide variant.
Coding change: c.502C>T on transcript NM_001453.3 (MANE Select); coding-DNA position 502, C replaced by T.
Protein change: p.Leu168=; no amino-acid change (leucine 168 retained).
Molecular consequence: synonymous variant.
Genome position (GRCh38, 1-based): chr6:1,610,947, C>T. VCF-style: chr6-1610947-C-T. GRCh37 (hg19) VCF-style: chr6-1611182-C-T.
Identifiers: ClinVar variation 167086 (VCV000167086.35), dbSNP rs148739656, ClinGen allele CA180046.